The following is an entry in ClinVar:

NM_019616.4(F7):c.196C>T (p.Arg66Trp)

Gene: F7 (coagulation factor VII; plus strand). Cytogenetic location: 13q34.
Variant type: single nucleotide variant.
Coding change: c.196C>T on transcript NM_019616.4 (MANE Select); coding-DNA position 196, C replaced by T.
Protein change: p.Arg66Trp; replaces arginine 66 with tryptophan.
Molecular consequence: missense variant. On other transcripts: non-coding transcript variant (1), intron variant (1).
Genome position (GRCh38, 1-based): chr13:113,110,821, C>T. VCF-style: chr13-113110821-C-T. GRCh37 (hg19) VCF-style: chr13-113765135-C-T.
Other names: p.Arg88Trp; c.262C>T, p.Arg88Trp (NM_000131.5); c.65-3026C>T (NM_001267554.2); short protein forms R66W, R88W.
Identifiers: ClinVar variation 3067922 (VCV003067922.3), dbSNP rs776354144, ClinGen allele CA388781220.

ClinVar aggregate classification (germline): Conflicting classifications of pathogenicity. Review status: criteria provided, conflicting classifications (1 of 4 stars). 3 submissions from 3 submitters: Likely pathogenic (1); Uncertain significance (2). Last evaluated 2024-05-14.

Conditions:
Congenital factor VII deficiency. Identifiers: Orphanet 327, MedGen C0272320, MONDO:0009211, OMIM 227500.

gnomAD v4.1: 3 of 1,560,416 alleles (0.00019%); highest among the groups gnomAD compares: African/African-American, 0.0014%; no homozygotes.

Submissions (3):

Women's Health and Genetics/Laboratory Corporation of America, LabCorp
Classification: Uncertain significance. Last evaluated: 2024-05-14. Review status: criteria provided, single submitter. Criteria: LabCorp Variant Classification Summary - May 2015. Collection method: clinical testing. Allele origin: germline.
Comment: Variant summary: F7 c.262C>T (p.Arg88Trp) results in a non-conservative amino acid change located in the Gamma-carboxyglutamic acid-rich (GLA) domain (IPR000294) of the encoded protein sequence. Five of five in-silico tools predict a damaging effect of the variant on protein function. The variant was absent in 167586 control chromosomes (gnomAD). The available data on variant occurrences in the general population are insufficient to allow any conclusion about variant significance. To our knowledge, no occurrence of c.262C>T in individuals affected with Congenital factor VII deficiency and no experimental evidence demonstrating its impact on protein function have been reported. No submitters have cited clinical-significance assessments for this variant to ClinVar. Based on the evidence outlined above, the variant was classified as uncertain significance.

Mayo Clinic Laboratories, Mayo Clinic
Classification: Uncertain significance. Last evaluated: 2024-04-26. Review status: criteria provided, single submitter. Criteria: ACMG Guidelines, 2015. Collection method: clinical testing. Allele origin: germline. Observed: 1 variant allele.
Comment: PM1_supporting, PM2_moderate

Genomic Medicine Center of Excellence, King Faisal Specialist Hospital and Research Centre
Classification: Likely pathogenic for Congenital factor VII deficiency. Last evaluated: 2024-04-04. Review status: criteria provided, single submitter. Criteria: ACMG Guidelines, 2015. Collection method: clinical testing. Allele origin: germline.